The following is an entry in ClinVar:

ClinVar aggregate classification (germline): Benign. Review status: criteria provided, multiple submitters, no conflicts (2 of 4 stars). 3 submissions from 3 submitters: Benign (2). 1 of the submissions does not count toward it. Last evaluated 2026-01-02.

Conditions:
KRT16-related disorder. Also called: KRT16-related condition.

Allele frequency attached by ClinVar (database versions not stated): ExAC 0.00980; 1000 Genomes Project 30x 0.01686; 1000 Genomes Project 0.01857; gnomAD 0.00512 and 0.00625; ESP Exome Variant Server 0.00569; TOPMed 0.00577; gnomAD exomes 0.00965.
gnomAD v4.1: 11,566 of 1,612,720 alleles (0.72%); highest among the groups gnomAD compares: East Asian, 4.8%; 104 homozygotes.

Submissions (3):

Labcorp Genetics (formerly Invitae), Labcorp
Classification: Benign. Last evaluated: 2026-01-02. Review status: criteria provided, single submitter. Criteria: Invitae Variant Classification Sherloc (09022015). Collection method: clinical testing. Allele origin: germline.

Breakthrough Genomics
Classification: Benign. Review status: criteria provided, single submitter. Criteria: ACMG Guidelines, 2015. Collection method: not provided. Allele origin: germline. Inheritance: Autosomal dominant inheritance. Affected: yes.

PreventionGenetics, part of Exact Sciences
Classification: Benign for KRT16-related condition. Last evaluated: 2024-01-19. Review status: no assertion criteria provided. Collection method: clinical testing. Allele origin: germline. Not counted in ClinVar's aggregate classification.
Comment: This variant is classified as benign based on ACMG/AMP sequence variant interpretation guidelines (Richards et al. 2015 PMID: 25741868, with internal and published modifications).

NM_005557.4(KRT16):c.1252C>T (p.Arg418Cys)

Gene: KRT16 (keratin 16; minus strand). Cytogenetic location: 17q21.2.
Variant type: single nucleotide variant.
Coding change: c.1252C>T on transcript NM_005557.4 (MANE Select); coding-DNA position 1252, C replaced by T.
Protein change: p.Arg418Cys; replaces arginine 418 with cysteine.
Molecular consequence: missense variant.
Genome position (GRCh38, 1-based): chr17:41,610,359, G>A on the plus strand (C>T on the coding strand, the complement: KRT16 is on the minus strand). VCF-style: chr17-41610359-G-A. GRCh37 (hg19) VCF-style: chr17-39766611-G-A.
Other names: short protein forms R418C.
Identifiers: ClinVar variation 788153 (VCV000788153.13), dbSNP rs56259134, ClinGen allele CA8562960.